The following is an entry in ClinVar:

ClinVar aggregate classification (germline): Uncertain significance (1 of 4 stars; one submission).

Submission:

Labcorp Genetics (formerly Invitae), Labcorp
Classification: Uncertain significance. Last evaluated: 2025-08-04. Review status: criteria provided, single submitter. Criteria: Invitae Variant Classification Sherloc (09022015). Collection method: clinical testing. Allele origin: germline.
Comment: This variant, c.1359_1364del, results in the deletion of 2 amino acid(s) of the COQ8B protein (p.Pro454_Tyr455del), but otherwise preserves the integrity of the reading frame. This variant is not present in population databases (gnomAD no frequency). This variant has not been reported in the literature in individuals affected with COQ8B-related conditions. Experimental studies and prediction algorithms are not available or were not evaluated, and the functional significance of this variant is currently unknown. In summary, the available evidence is currently insufficient to determine the role of this variant in disease. Therefore, it has been classified as a Variant of Uncertain Significance.

NM_024876.4(COQ8B):c.1359_1364del (p.Pro454_Tyr455del)

Gene: COQ8B (coenzyme Q8B; minus strand). Cytogenetic location: 19q13.2.
Variant type: Deletion.
Coding change: c.1359_1364del on transcript NM_024876.4 (MANE Select); coding-DNA positions 1359 to 1364, 6 bases deleted (CCCTTA; older notation c.1359_1364delCCCTTA).
Protein change: p.Pro454_Tyr455del.
Genome position (GRCh38, 1-based): chr19:40,692,306-40,692,311, TAAGGG deleted on the plus strand (CCCTTA on the coding strand, the reverse complement: COQ8B is on the minus strand). VCF-style (leftmost placement, unchanged base first): chr19-40692305-ATAAGGG-A. GRCh37 (hg19) VCF-style: chr19-41198210-ATAAGGG-A.
Other names: c.1236_1241del, p.Pro413_Tyr414del (NM_001142555.3).
Identifiers: ClinVar variation 4778820 (VCV004778820.1).